The following is an entry in ClinVar:

ClinVar aggregate classification (germline): Uncertain significance (1 of 4 stars; one submission).

Submission:

GeneDx
Classification: Uncertain significance. Last evaluated: 2024-09-18. Review status: criteria provided, single submitter. Criteria: GeneDx Variant Classification Process June 2021. Collection method: clinical testing. Allele origin: germline. Affected: yes.
Comment: Not observed at significant frequency in large population cohorts (gnomAD); In silico analysis supports that this missense variant has a deleterious effect on protein structure/function; Has not been previously published as pathogenic or benign to our knowledge

NM_205768.3(ZBTB18):c.1495T>G (p.Cys499Gly)

Gene: ZBTB18 (zinc finger and BTB domain containing 18; plus strand). Cytogenetic location: 1q44.
Variant type: single nucleotide variant.
Coding change: c.1495T>G on transcript NM_205768.3 (MANE Select); coding-DNA position 1495, T replaced by G.
Protein change: p.Cys499Gly; replaces cysteine 499 with glycine.
Molecular consequence: missense variant. On other transcripts: 3 prime UTR variant (1).
Genome position (GRCh38, 1-based): chr1:244,055,269, T>G. VCF-style: chr1-244055269-T-G. GRCh37 (hg19) VCF-style: chr1-244218571-T-G.
Other names: c.1468T>G, p.Cys490Gly (NM_001278196.2, NM_006352.5); c.*672T>G (NM_001421566.1); short protein forms C490G, C499G.
Identifiers: ClinVar variation 3774005 (VCV003774005.1).